The following is an entry in ClinVar:

ClinVar aggregate classification (germline): Uncertain significance. Review status: criteria provided, multiple submitters, no conflicts (2 of 4 stars). 2 submissions from 2 submitters: Uncertain significance (2). Last evaluated 2026-06-14.

Conditions:
Hereditary cancer-predisposing syndrome. Also called: Tumor predisposition; Hereditary Cancer Syndrome; Neoplastic Syndromes, Hereditary; Hereditary neoplastic syndrome. Identifiers: Orphanet 140162, MedGen C0027672, MeSH D009386, MONDO:0015356.

Submissions (2):

Ambry Genetics
Classification: Uncertain significance for Hereditary cancer-predisposing syndrome. Last evaluated: 2026-06-14. Review status: criteria provided, single submitter. Criteria: Ambry Variant Classification Scheme 2023. Collection method: clinical testing. Allele origin: germline.
Comment: The p.K649N variant (also known as c.1947G>C), located in coding exon 14 of the MSH3 gene, results from a G to C substitution at nucleotide position 1947. The lysine at codon 649 is replaced by asparagine, an amino acid with similar properties. This amino acid position is conserved. In addition, this alteration is predicted to be tolerated by in silico analysis. Based on the available evidence, the clinical significance of this variant remains unclear.

Labcorp Genetics (formerly Invitae), Labcorp
Classification: Uncertain significance. Last evaluated: 2024-11-20. Review status: criteria provided, single submitter. Criteria: Invitae Variant Classification Sherloc (09022015). Collection method: clinical testing. Allele origin: germline.
Comment: This sequence change replaces lysine, which is basic and polar, with asparagine, which is neutral and polar, at codon 649 of the MSH3 protein (p.Lys649Asn). This variant is not present in population databases (gnomAD no frequency). This variant has not been reported in the literature in individuals affected with MSH3-related conditions. ClinVar contains an entry for this variant (Variation ID: 642391). An algorithm developed to predict the effect of missense changes on protein structure and function (PolyPhen-2) suggests that this variant is likely to be tolerated. In summary, the available evidence is currently insufficient to determine the role of this variant in disease. Therefore, it has been classified as a Variant of Uncertain Significance.

NM_002439.5(MSH3):c.1947G>C (p.Lys649Asn)

Gene: MSH3 (mutS homolog 3; plus strand). Cytogenetic location: 5q14.1.
Variant type: single nucleotide variant.
Coding change: c.1947G>C on transcript NM_002439.5 (MANE Select); coding-DNA position 1947, G replaced by C.
Protein change: p.Lys649Asn; replaces lysine 649 with asparagine.
Molecular consequence: missense variant.
Genome position (GRCh38, 1-based): chr5:80,767,983, G>C. VCF-style: chr5-80767983-G-C. GRCh37 (hg19) VCF-style: chr5-80063802-G-C.
Other names: c.1947G>C (NM_002439.3); short protein forms K649N.
Identifiers: ClinVar variation 642391 (VCV000642391.9), dbSNP rs1580033778, ClinGen allele CA360277539.
Genomic context (GRCh38, chr5:80,767,983, plus strand): 5'-CTATTTTCAGTGTTCTACCCAAGAGTTCTTCTTGATTGTCAAAACTTTATATCACCTAAA[G>C]TCAGAATTTCAAGCAATAATACCTGCTGTTAATTCCCACATTCAGTCAGACTTGCTCCGG-3'
Protein context (NP_002430.3, residues 639-659): FLIVKTLYHL[Lys649Asn]SEFQAIIPAV